The following is an entry in ClinVar:

NM_000051.4(ATM):c.4776+5T>G

Gene: ATM (ATM serine/threonine kinase; plus strand). Cytogenetic location: 11q22.3.
Variant type: single nucleotide variant.
Coding change: c.4776+5T>G on transcript NM_000051.4 (MANE Select); 5 bases into the intron after coding-DNA position 4776, T replaced by G.
Molecular consequence: intron variant.
Genome position (GRCh38, 1-based): chr11:108,293,482, T>G. VCF-style: chr11-108293482-T-G. GRCh37 (hg19) VCF-style: chr11-108164209-T-G.
Other names: c.4776+5T>G (NM_001351834.2).
Identifiers: ClinVar variation 3253900 (VCV003253900.1), dbSNP rs2546932801.
Genomic context (GRCh38, chr11:108,293,482, plus strand): 5'-TGCGTATTACTCAGCAAAAAATCAAATACAGTAGAGGACCCTTTTCACTCTTGGAGGTAA[T>G]AAAAATTTCATCATCTACTATTTTTTATTAGAGAACATAGTAGTACTTTTCAAAAATCTG-3'

ClinVar aggregate classification (germline): Likely benign (1 of 4 stars; one submission).

Conditions:
Familial cancer of breast. Also called: BREAST CANCER, FAMILIAL; Hereditary breast cancer; hereditary breast carcinoma. Identifiers: Orphanet 227535, MedGen C0346153, MONDO:0016419, OMIM 114480. Disease mechanism: loss of function.

Submission:

Myriad Genetics, Inc.
Classification: Likely benign for Familial cancer of breast. Last evaluated: 2024-05-21. Review status: criteria provided, single submitter. Criteria: Myriad Autosomal Dominant, Autosomal Recessive and X-Linked Classification Criteria (2023). Collection method: clinical testing. Allele origin: unknown.
Comment: This variant is considered likely benign. This variant is intronic and is not expected to impact mRNA splicing.